The following is an entry in ClinVar:

NM_000342.4(SLC4A1):c.1428_1430del (p.Phe476_Ser477delinsLeu)

Gene: SLC4A1 (solute carrier family 4 member 1 (Diego blood group); minus strand). Cytogenetic location: 17q21.31.
Variant type: Deletion.
Coding change: c.1428_1430del on transcript NM_000342.4 (MANE Select); coding-DNA positions 1428 to 1430, 3 bases deleted (CTC; older notation c.1428_1430delCTC).
Protein change: p.Phe476_Ser477delinsLeu.
Molecular consequence: inframe indel.
Genome position (GRCh38, 1-based): chr17:44,257,660-44,257,662, GAG deleted on the plus strand (CTC on the coding strand, the reverse complement: SLC4A1 is on the minus strand). VCF-style (leftmost placement, unchanged base first): chr17-44257659-CGAG-C. GRCh37 (hg19) VCF-style: chr17-42335027-CGAG-C.
Identifiers: ClinVar variation 1694845 (VCV001694845.31), dbSNP rs2144612947, ClinGen allele CA2580093847.

ClinVar aggregate classification (germline): Uncertain significance (1 of 4 stars; one submission).

Submission:

CeGaT Center for Human Genetics Tuebingen
Classification: Uncertain significance. Last evaluated: 2022-04-01. Review status: criteria provided, single submitter. Criteria: CeGaT Center For Human Genetics Tuebingen Variant Classification Criteria Version 2. Collection method: clinical testing. Allele origin: germline. Affected: yes. Observed: 1 variant allele.
Comment: SLC4A1: PM2, BP4